The following is an entry in ClinVar:

NM_001197104.2(KMT2A):c.3193G>C (p.Gly1065Arg)

Gene: KMT2A (lysine methyltransferase 2A; plus strand). Cytogenetic location: 11q23.3.
Variant type: single nucleotide variant.
Coding change: c.3193G>C on transcript NM_001197104.2 (MANE Select); coding-DNA position 3193, G replaced by C.
Protein change: p.Gly1065Arg; replaces glycine 1065 with arginine.
Molecular consequence: missense variant.
Genome position (GRCh38, 1-based): chr11:118,476,841, G>C. VCF-style: chr11-118476841-G-C. GRCh37 (hg19) VCF-style: chr11-118347556-G-C.
Other names: c.3292G>C, p.Gly1098Arg (NM_001412597.1); c.3193G>C, p.Gly1065Arg (NM_005933.4); short protein forms G1065R, G1098R.
Identifiers: ClinVar variation 3378230 (VCV003378230.1).
Genomic context (GRCh38, chr11:118,476,841, plus strand): 5'-GTTTTTGGATTGCCTCATATTCAGGGTCAAGAAAGTGACTCATCAGAGACCTCTGTGCGA[G>C]GACCCCGGATTAAACATGTCTGCAGAAGAGCAGCTGTTGCCCTTGGCCGAAAACGAGCTG-3'
Protein context (NP_001184033.1, residues 1055-1075): ESDSSETSVR[Gly1065Arg]PRIKHVCRRA

ClinVar aggregate classification (germline): Uncertain significance (1 of 4 stars; one submission).

Submission:

GeneDx
Classification: Uncertain significance. Last evaluated: 2024-05-13. Review status: criteria provided, single submitter. Criteria: GeneDx Variant Classification Process June 2021. Collection method: clinical testing. Allele origin: germline. Affected: yes.
Comment: Not observed at significant frequency in large population cohorts (gnomAD); In silico analysis supports that this missense variant has a deleterious effect on protein structure/function; Has not been previously published as pathogenic or benign to our knowledge